The following is an entry in ClinVar:

ClinVar aggregate classification (germline): Uncertain significance (1 of 4 stars; one submission).

Conditions:
F2-related disorder. Also called: F2-related disorders; F2-related condition.

gnomAD v4.1: 35 of 1,614,022 alleles (0.0022%); highest among the groups gnomAD compares: East Asian, 0.013%; no homozygotes.

Submission:

PreventionGenetics, part of Exact Sciences
Classification: Uncertain significance for F2-related condition. Last evaluated: 2025-12-26. Review status: criteria provided, single submitter. Criteria: ACMG Guidelines, 2015. Collection method: clinical testing. Allele origin: germline.
Comment: The F2 c.1754T>C variant is predicted to result in the amino acid substitution p.Met585Thr. To our knowledge, this variant has not been reported in the literature. This variant is reported in 0.025% of alleles in individuals of East Asian descent in gnomAD. At this time, the clinical significance of this variant is uncertain due to the absence of conclusive functional and genetic evidence.

NM_000506.5(F2):c.1754T>C (p.Met585Thr)

Gene: F2 (coagulation factor II, thrombin; plus strand). Cytogenetic location: 11p11.2.
Variant type: single nucleotide variant.
Coding change: c.1754T>C on transcript NM_000506.5 (MANE Select); coding-DNA position 1754, T replaced by C.
Protein change: p.Met585Thr; replaces methionine 585 with threonine.
Molecular consequence: missense variant.
Genome position (GRCh38, 1-based): chr11:46,739,293, T>C. VCF-style: chr11-46739293-T-C. GRCh37 (hg19) VCF-style: chr11-46760843-T-C.
Other names: short protein forms M585T.
Identifiers: ClinVar variation 4978374 (VCV004978374.1).